The following is an entry in ClinVar:

NM_014363.6(SACS):c.1153A>G (p.Lys385Glu)

Gene: SACS (sacsin molecular chaperone; minus strand). Cytogenetic location: 13q12.12.
Variant type: single nucleotide variant.
Coding change: c.1153A>G on transcript NM_014363.6 (MANE Select); coding-DNA position 1153, A replaced by G.
Protein change: p.Lys385Glu; replaces lysine 385 with glutamic acid.
Molecular consequence: missense variant.
Genome position (GRCh38, 1-based): chr13:23,355,459, T>C on the plus strand (A>G on the coding strand, the complement: SACS is on the minus strand). VCF-style: chr13-23355459-T-C. GRCh37 (hg19) VCF-style: chr13-23929598-T-C.
Other names: c.712A>G, p.Lys238Glu (NM_001278055.2); short protein forms K238E, K385E.
Identifiers: ClinVar variation 1392620 (VCV001392620.3), dbSNP rs1281714392, ClinGen allele CA387550049.

ClinVar aggregate classification (germline): Uncertain significance (1 of 4 stars; one submission).

Conditions:
Spastic paraplegia. Identifiers: MedGen C0037772, HP:0001258.

Allele frequency attached by ClinVar (database versions not stated): TOPMed 0.00001.

Submission:

Labcorp Genetics (formerly Invitae), Labcorp
Classification: Uncertain significance for Spastic paraplegia. Last evaluated: 2021-10-13. Review status: criteria provided, single submitter. Criteria: Invitae Variant Classification Sherloc (09022015). Collection method: clinical testing. Allele origin: germline.
Comment: This sequence change replaces lysine with glutamic acid at codon 385 of the SACS protein (p.Lys385Glu). The lysine residue is moderately conserved and there is a small physicochemical difference between lysine and glutamic acid. This variant is not present in population databases (ExAC no frequency). This variant has not been reported in the literature in individuals affected with SACS-related conditions. Advanced modeling of protein sequence and biophysical properties (such as structural, functional, and spatial information, amino acid conservation, physicochemical variation, residue mobility, and thermodynamic stability) performed at Invitae indicates that this missense variant is not expected to disrupt SACS protein function. In summary, the available evidence is currently insufficient to determine the role of this variant in disease. Therefore, it has been classified as a Variant of Uncertain Significance.